The following is an entry in ClinVar:

ClinVar aggregate classification (germline): Uncertain significance (1 of 4 stars; one submission).

Conditions:
Developmental and epileptic encephalopathy, 36 (DEE36). Also called: Congenital disorder of glycosylation, type Is; Epileptic encephalopathy, early infantile, 36; ALG13-CDG. Identifiers: Orphanet 324422, MedGen C4317295, MONDO:0010472, OMIM 300884.

Allele frequency attached by ClinVar (database versions not stated): ExAC 0.00001; gnomAD exomes 0.00001; TOPMed 0.00001; gnomAD 0.00003.
gnomAD v4.1: 13 of 1,209,180 alleles (0.0011%); highest among the groups gnomAD compares: African/African-American, 0.0018%; no homozygotes.

Submissions (2):

Labcorp Genetics (formerly Invitae), Labcorp
Classification: Uncertain significance for Developmental and epileptic encephalopathy, 36. Last evaluated: 2024-04-22. Review status: criteria provided, single submitter. Criteria: Invitae Variant Classification Sherloc (09022015). Collection method: clinical testing. Allele origin: germline.
Comment: This sequence change replaces arginine, which is basic and polar, with glutamine, which is neutral and polar, at codon 653 of the ALG13 protein (p.Arg653Gln). The frequency data for this variant in the population databases is considered unreliable, as metrics indicate poor data quality at this position in the gnomAD database. This variant has not been reported in the literature in individuals affected with ALG13-related conditions. ClinVar contains an entry for this variant (Variation ID: 1358393). Advanced modeling of protein sequence and biophysical properties (such as structural, functional, and spatial information, amino acid conservation, physicochemical variation, residue mobility, and thermodynamic stability) performed at Invitae indicates that this missense variant is not expected to disrupt ALG13 protein function with a negative predictive value of 80%. In summary, the available evidence is currently insufficient to determine the role of this variant in disease. Therefore, it has been classified as a Variant of Uncertain Significance.

Dr. Peter K. Rogan Lab, Western University
No classification provided (evidence only). Condition: Acute myeloid leukemia. Review status: no classification provided. Collection method: in vitro. Allele origin: not applicable. Functional consequence: retained intron. Not counted in ClinVar's aggregate classification.

NM_001099922.3(ALG13):c.1958G>A (p.Arg653Gln)

Gene: ALG13 (ALG13 UDP-N-acetylglucosaminyltransferase subunit; plus strand). Cytogenetic location: Xq23.
Variant type: single nucleotide variant.
Coding change: c.1958G>A on transcript NM_001099922.3 (MANE Select); coding-DNA position 1958, G replaced by A.
Protein change: p.Arg653Gln; replaces arginine 653 with glutamine.
Molecular consequence: missense variant. On other transcripts: non-coding transcript variant (1).
Genome position (GRCh38, 1-based): chrX:111,727,037, G>A. VCF-style: chrX-111727037-G-A. GRCh37 (hg19) VCF-style: chrX-110970265-G-A.
Other names: c.1958G>A, p.Arg653Gln (NM_001324292.2); c.1472G>A, p.Arg491Gln (NM_001324293.1); c.1646G>A, p.Arg549Gln (NM_001257230.2, NM_001257234.2, NM_001257237.2); c.1724G>A, p.Arg575Gln (NM_001257231.2); short protein forms R653Q, R491Q, R549Q, R575Q.
Identifiers: ClinVar variation 1358393 (VCV001358393.10), dbSNP rs779911093, ClinGen allele CA10493797.